The following is an entry in ClinVar:

NM_000059.4(BRCA2):c.8633-1G>T

Gene: BRCA2 (BRCA2 DNA repair associated; plus strand). Cytogenetic location: 13q13.1.
Variant type: single nucleotide variant.
Coding change: c.8633-1G>T on transcript NM_000059.4 (MANE Select); the canonical splice acceptor site of the intron before coding-DNA position 8633, G replaced by T.
Molecular consequence: splice acceptor variant.
Genome position (GRCh38, 1-based): chr13:32,376,669, G>T. VCF-style: chr13-32376669-G-T. GRCh37 (hg19) VCF-style: chr13-32950806-G-T.
Other names: c.8633-1G>T (NM_001406720.1); c.8537-1G>T (NM_001406719.1); c.3701-1G>T (NM_001406721.1); c.2216-1G>T (NM_001406722.1).
Identifiers: ClinVar variation 2431299 (VCV002431299.1), dbSNP rs398122711, ClinGen allele CA387754596.

ClinVar aggregate classification (germline): Likely pathogenic (1 of 4 stars; one submission).

Conditions:
Breast-ovarian cancer, familial, susceptibility to, 2 (BROVCA2). Also called: BRCA2 Hereditary Breast and Ovarian Cancer. Identifiers: Orphanet 145, MedGen C2675520, MONDO:0012933, OMIM 612555. Disease mechanism: loss of function.

Submission:

Myriad Genetics, Inc.
Classification: Likely pathogenic for Breast-ovarian cancer, familial, susceptibility to, 2. Last evaluated: 2022-12-30. Review status: criteria provided, single submitter. Criteria: Myriad Autosomal Dominant, Autosomal Recessive and X-Linked Classification Criteria (2023). Collection method: clinical testing. Allele origin: unknown.
Comment: This variant is considered likely pathogenic. This variant occurs within a consensus splice junction and is predicted to result in abnormal mRNA splicing of either an out-of-frame exon or an in-frame exon necessary for protein stability and/or normal function.